The following is an entry in ClinVar:

NM_000465.4(BARD1):c.2201C>T (p.Thr734Ile)

Gene: BARD1 (BRCA1 associated RING domain 1; minus strand). Cytogenetic location: 2q35.
Variant type: single nucleotide variant.
Coding change: c.2201C>T on transcript NM_000465.4 (MANE Select); coding-DNA position 2201, C replaced by T.
Protein change: p.Thr734Ile; replaces threonine 734 with isoleucine.
Molecular consequence: missense variant. On other transcripts: non-coding transcript variant (3).
Genome position (GRCh38, 1-based): chr2:214,728,809, G>A on the plus strand (C>T on the coding strand, the complement: BARD1 is on the minus strand). VCF-style: chr2-214728809-G-A. GRCh37 (hg19) VCF-style: chr2-215593533-G-A.
Other names: c.2144C>T, p.Thr715Ile (NM_001282543.2); c.848C>T, p.Thr283Ile (NM_001282545.2); c.791C>T, p.Thr264Ile (NM_001282548.2); c.662C>T, p.Thr221Ile (NM_001282549.2); c.2201C>T (NM_000465.2); short protein forms T734I, T221I, T715I, T264I, T283I.
Identifiers: ClinVar variation 628975 (VCV000628975.12), dbSNP rs1559371927, ClinGen allele CA350450245.

ClinVar aggregate classification (germline): Uncertain significance. Review status: criteria provided, multiple submitters, no conflicts (2 of 4 stars). 3 submissions from 3 submitters: Uncertain significance (3). Last evaluated 2024-04-10.

Conditions:
Hereditary cancer-predisposing syndrome. Also called: Neoplastic Syndromes, Hereditary; Tumor predisposition; Hereditary neoplastic syndrome; Hereditary Cancer Syndrome. Identifiers: Orphanet 140162, MedGen C0027672, MeSH D009386, MONDO:0015356.
Familial cancer of breast. Also called: BREAST CANCER, FAMILIAL; Hereditary breast cancer; hereditary breast carcinoma. Identifiers: Orphanet 227535, MedGen C0346153, MONDO:0016419, OMIM 114480. Disease mechanism: loss of function.

Allele frequency attached by ClinVar (database versions not stated): gnomAD exomes below 0.00001; TOPMed below 0.00001.
gnomAD v4.1: 2 of 1,614,228 alleles (0.00012%); highest among the groups gnomAD compares: Non-Finnish European, 0.00017%; no homozygotes.

Submissions (3):

Labcorp Genetics (formerly Invitae), Labcorp
Classification: Uncertain significance for Familial cancer of breast. Last evaluated: 2024-04-10. Review status: criteria provided, single submitter. Criteria: Invitae Variant Classification Sherloc (09022015). Collection method: clinical testing. Allele origin: germline.
Comment: This sequence change replaces threonine, which is neutral and polar, with isoleucine, which is neutral and non-polar, at codon 734 of the BARD1 protein (p.Thr734Ile). This variant is not present in population databases (gnomAD no frequency). This variant has not been reported in the literature in individuals affected with BARD1-related conditions. ClinVar contains an entry for this variant (Variation ID: 628975). An algorithm developed to predict the effect of missense changes on protein structure and function (PolyPhen-2) suggests that this variant is likely to be disruptive. In summary, the available evidence is currently insufficient to determine the role of this variant in disease. Therefore, it has been classified as a Variant of Uncertain Significance.

Color Diagnostics, LLC DBA Color Health
Classification: Uncertain significance for Hereditary cancer-predisposing syndrome. Last evaluated: 2023-12-05. Review status: criteria provided, single submitter. Criteria: ACMG Guidelines, 2015. Collection method: clinical testing. Allele origin: germline.
Comment: This missense variant replaces threonine with isoleucine at codon 734 of the BARD1 protein. Computational prediction is inconclusive regarding the impact of this variant on protein structure and function (internally defined REVEL score threshold 0.5 < inconclusive < 0.7, PMID: 27666373). To our knowledge, functional studies have not been reported for this variant. This variant has not been reported in individuals affected with BARD1-related disorders in the literature. This variant has not been identified in the general population by the Genome Aggregation Database (gnomAD). The available evidence is insufficient to determine the role of this variant in disease conclusively. Therefore, this variant is classified as a Variant of Uncertain Significance.

Ambry Genetics
Classification: Uncertain significance for Hereditary cancer-predisposing syndrome. Last evaluated: 2020-07-31. Review status: criteria provided, single submitter. Criteria: Ambry Variant Classification Scheme 2023. Collection method: clinical testing. Allele origin: germline.